The following is an entry in ClinVar:

NM_003072.5(SMARCA4):c.2617-4G>A

Gene: SMARCA4 (SWI/SNF related BAF chromatin remodeling complex subunit ATPase 4; plus strand). Cytogenetic location: 19p13.2.
Variant type: single nucleotide variant.
Coding change: c.2617-4G>A on transcript NM_003072.5 (MANE Select); 4 bases into the intron before coding-DNA position 2617, G replaced by A.
Molecular consequence: intron variant.
Genome position (GRCh38, 1-based): chr19:11,021,721, G>A. VCF-style: chr19-11021721-G-A. GRCh37 (hg19) VCF-style: chr19-11132397-G-A.
Other names: c.2617-4G>A (NM_001128844.3, NM_001128849.3, NM_001128847.4 and 5 more transcripts).
Identifiers: ClinVar variation 238409 (VCV000238409.23), dbSNP rs201020451, ClinGen allele CA9204210.

ClinVar aggregate classification (germline): Benign/Likely benign. Review status: criteria provided, multiple submitters, no conflicts (2 of 4 stars). 8 submissions from 8 submitters: Benign (5); Likely benign (2). 1 of the submissions does not count toward it. Last evaluated 2026-07-07.

Conditions:
SMARCA4-related disorder. Also called: SMARCA4-related condition.
Hereditary cancer-predisposing syndrome. Also called: Hereditary Cancer Syndrome; Tumor predisposition; Hereditary neoplastic syndrome; Neoplastic Syndromes, Hereditary. Identifiers: Orphanet 140162, MedGen C0027672, MeSH D009386, MONDO:0015356.
Intellectual disability, autosomal dominant 16 (CSS4). Also called: COFFIN-SIRIS SYNDROME 4. Identifiers: Orphanet 1465, MedGen C3553249, MONDO:0013821, OMIM 614609.
Rhabdoid tumor predisposition syndrome 2 (RTPS2). Identifiers: Orphanet 231108, Orphanet 69077, MedGen C2750074, MONDO:0013224, OMIM 613325.

Allele frequency attached by ClinVar (database versions not stated): 1000 Genomes Project 30x 0.00047; gnomAD 0.00003 and 0.00002; gnomAD exomes 0.00013; 1000 Genomes Project 0.00040; TOPMed 0.00009; ExAC 0.00025.
gnomAD v4.1: 50 of 1,607,008 alleles (0.0031%); highest among the groups gnomAD compares: East Asian, 0.063%; no homozygotes.

Submissions (8):

Myriad Genetics, Inc.
Classification: Likely benign for Rhabdoid tumor predisposition syndrome 2. Last evaluated: 2026-07-07. Review status: criteria provided, single submitter. Criteria: Myriad Autosomal Dominant, Autosomal Recessive and X-Linked Classification Criteria (2023). Collection method: clinical testing. Allele origin: unknown.
Comment: This variant is considered likely benign. This variant is intronic and is not expected to impact mRNA splicing.

Labcorp Genetics (formerly Invitae), Labcorp
Classification: Benign for Rhabdoid tumor predisposition syndrome 2. Last evaluated: 2026-01-02. Review status: criteria provided, single submitter. Criteria: Invitae Variant Classification Sherloc (09022015). Collection method: clinical testing. Allele origin: germline.

Laboratory of Genetics, Children's Clinical University Hospital Latvia
Classification: Likely benign. Last evaluated: 2025-02-16. Review status: criteria provided, single submitter. Criteria: ACMG Guidelines, 2015. Collection method: clinical testing. Allele origin: germline. Affected: yes.

Quest Diagnostics Nichols Institute San Juan Capistrano
Classification: Benign. Last evaluated: 2023-09-18. Review status: criteria provided, single submitter. Criteria: Quest Diagnostics criteria. Collection method: clinical testing. Allele origin: unknown.

Sema4
Classification: Benign for Hereditary cancer-predisposing syndrome. Last evaluated: 2021-08-25. Review status: criteria provided, single submitter. Criteria: Sema4 Curation Guidelines. Collection method: curation. Allele origin: germline.

Genome-Nilou Lab
Classification: Benign for Intellectual disability, autosomal dominant 16. Last evaluated: 2021-07-15. Review status: criteria provided, single submitter. Criteria: ACMG Guidelines, 2015. Collection method: clinical testing. Allele origin: germline. Affected: no.

Ambry Genetics
Classification: Benign for Hereditary cancer-predisposing syndrome. Last evaluated: 2019-05-22. Review status: criteria provided, single submitter. Criteria: Ambry Variant Classification Scheme 2023. Collection method: clinical testing. Allele origin: germline.

PreventionGenetics, part of Exact Sciences
Classification: Likely benign for SMARCA4-related condition. Last evaluated: 2023-01-19. Review status: no assertion criteria provided. Collection method: clinical testing. Allele origin: germline. Not counted in ClinVar's aggregate classification.
Comment: This variant is classified as likely benign based on ACMG/AMP sequence variant interpretation guidelines (Richards et al. 2015 PMID: 25741868, with internal and published modifications).

Literature cited by the submitters: PubMed 31827798 (cited by Quest Diagnostics Nichols Institute San Juan Capistrano).